The following is an entry in ClinVar:

ClinVar aggregate classification (germline): Benign/Likely benign. Review status: criteria provided, multiple submitters, no conflicts (2 of 4 stars). 3 submissions from 3 submitters: Benign (1); Likely benign (2). Last evaluated 2026-05-04.

Conditions:
Colorectal cancer, hereditary nonpolyposis, type 7. Identifiers: Orphanet 144, MedGen C1858380, MONDO:0013725, OMIM 614385.

Allele frequency attached by ClinVar (database versions not stated): gnomAD 0.00001; TOPMed 0.00001; gnomAD exomes 0.00002 and 0.00001; ExAC 0.00003.

Submissions (3):

Myriad Genetics, Inc.
Classification: Benign for Colorectal cancer, hereditary nonpolyposis, type 7. Last evaluated: 2026-05-04. Review status: criteria provided, single submitter. Criteria: Myriad Autosomal Dominant, Autosomal Recessive and X-Linked Classification Criteria (2023). Collection method: clinical testing. Allele origin: unknown.
Comment: This variant is considered benign. This variant is a silent/synonymous amino acid change and it is not expected to impact splicing.

Labcorp Genetics (formerly Invitae), Labcorp
Classification: Likely benign for Colorectal cancer, hereditary nonpolyposis, type 7. Last evaluated: 2025-12-21. Review status: criteria provided, single submitter. Criteria: Invitae Variant Classification Sherloc (09022015). Collection method: clinical testing. Allele origin: germline.

Ambry Genetics
Classification: Likely benign. Last evaluated: 2021-06-07. Review status: criteria provided, single submitter. Criteria: Ambry Variant Classification Scheme 2023. Collection method: clinical testing. Allele origin: germline.

NM_001040108.2(MLH3):c.2061T>C (p.Pro687=)

Gene: MLH3 (mutL homolog 3; minus strand). Cytogenetic location: 14q24.3.
Variant type: single nucleotide variant.
Coding change: c.2061T>C on transcript NM_001040108.2 (MANE Select); coding-DNA position 2061, T replaced by C.
Protein change: p.Pro687=; no amino-acid change (proline 687 retained).
Molecular consequence: synonymous variant.
Genome position (GRCh38, 1-based): chr14:75,047,595, A>G on the plus strand (T>C on the coding strand, the complement: MLH3 is on the minus strand). VCF-style: chr14-75047595-A-G. GRCh37 (hg19) VCF-style: chr14-75514298-A-G.
Other names: c.2061T>C, p.Pro687= (NM_014381.3).
Identifiers: ClinVar variation 1530099 (VCV001530099.11), dbSNP rs771380578, ClinGen allele CA7275768.